The following is an entry in ClinVar:

NM_016203.4(PRKAG2):c.66C>T (p.Gly22=)

Gene: PRKAG2 (protein kinase AMP-activated non-catalytic subunit gamma 2; minus strand). Cytogenetic location: 7q36.1.
Variant type: single nucleotide variant.
Coding change: c.66C>T on transcript NM_016203.4 (MANE Select); coding-DNA position 66, C replaced by T.
Protein change: p.Gly22=; no amino-acid change (glycine 22 retained).
Molecular consequence: synonymous variant.
Genome position (GRCh38, 1-based): chr7:151,876,555, G>A on the plus strand (C>T on the coding strand, the complement: PRKAG2 is on the minus strand). VCF-style: chr7-151876555-G-A. GRCh37 (hg19) VCF-style: chr7-151573640-G-A.
Other names: p.G22G:GGC>GGT.
Identifiers: ClinVar variation 181466 (VCV000181466.11), dbSNP rs730880971, ClinGen allele CA014473.

ClinVar aggregate classification (germline): Conflicting classifications of pathogenicity. Review status: criteria provided, conflicting classifications (1 of 4 stars). 4 submissions from 4 submitters: Uncertain significance (3); Likely benign (1). Last evaluated 2023-12-05.

Conditions:
Cardiomyopathy (CMYO). Also called: Cardiomyopathies. Identifiers: Orphanet 167848, MedGen C0878544, MONDO:0004994, HP:0001638. Inheritance: Various modes of inheritance.
Lethal congenital glycogen storage disease of heart. Also called: GLYCOGEN STORAGE DISEASE OF HEART; PHOSPHORYLASE KINASE DEFICIENCY OF HEART. Identifiers: Orphanet 439854, MedGen C1849813, MONDO:0009867, OMIM 261740.
Hypertrophic cardiomyopathy. Also called: HYPERTROPHIC MYOCARDIOPATHY. Identifiers: Orphanet 217569, MedGen C0007194, MeSH D002312, MONDO:0005045, HP:0001639.

Allele frequency attached by ClinVar (database versions not stated): gnomAD 0.00003.
gnomAD v4.1: 3 of 1,609,502 alleles (0.00019%); highest among the groups gnomAD compares: Non-Finnish European, 0.000085%; no homozygotes.

Submissions (4):

Color Diagnostics, LLC DBA Color Health
Classification: Likely benign for Cardiomyopathy. Last evaluated: 2023-12-05. Review status: criteria provided, single submitter. Criteria: ACMG Guidelines, 2015. Collection method: clinical testing. Allele origin: germline.

All of Us Research Program, National Institutes of Health
Classification: Uncertain significance for Hypertrophic cardiomyopathy. Last evaluated: 2023-10-23. Review status: criteria provided, single submitter. Criteria: ACMG Guidelines, 2015. Collection method: clinical testing. Allele origin: germline. Inheritance: Autosomal dominant inheritance. Observed: 2 variant alleles, 2 heterozygotes.
Comment: This synonymous variant causes a nucleotide substitution but does not change the encoded amino acid at codon 22 of the PRKAG2 protein. Splice site prediction tools are inconclusive regarding the impact of this variant on RNA splicing. To our knowledge, functional studies have not been reported for this variant. This variant has not been reported in individuals affected with PRKAG2-related disorders in the literature. This variant has been identified in 2/279206 chromosomes in the general population by the Genome Aggregation Database (gnomAD). The available evidence is insufficient to determine the role of this variant in disease conclusively. Therefore, this variant is classified as a Variant of Uncertain Significance.

This study involves interpretation of variants in research participants for the purpose of population health screening. Participant phenotype was not available at the time of variant classification. Additional details can be found in publication PMID: 35346344, PMCID: PMC8962531

Labcorp Genetics (formerly Invitae), Labcorp
Classification: Uncertain significance for Lethal congenital glycogen storage disease of heart. Last evaluated: 2021-08-26. Review status: criteria provided, single submitter. Criteria: Invitae Variant Classification Sherloc (09022015). Collection method: clinical testing. Allele origin: germline.
Comment: This sequence change affects codon 22 of the PRKAG2 mRNA. It is a 'silent' change, meaning that it does not change the encoded amino acid sequence of the PRKAG2 protein. This variant is not present in population databases (ExAC no frequency). This variant has not been reported in the literature in individuals affected with PRKAG2-related conditions. ClinVar contains an entry for this variant (Variation ID: 181466). Algorithms developed to predict the effect of sequence changes on RNA splicing suggest that this variant may create or strengthen a splice site. In summary, the available evidence is currently insufficient to determine the role of this variant in disease. Therefore, it has been classified as a Variant of Uncertain Significance.

GeneDx
Classification: Uncertain significance. Last evaluated: 2014-02-26. Review status: criteria provided, single submitter. Criteria: GeneDx Variant Classification (06012015). Collection method: clinical testing. Allele origin: germline. Affected: yes.
Comment: p.Gly22Gly (GGC>GGT): c.66 C>T in exon 1 of the PRKAG2 gene (NM_016203.3) A c.66 C>T variant of unknown significance was identified in the PRKAG2 gene. It has not been published as a mutation, nor has it been reported as a benign polymorphism to our knowledge. The c.66 C>T variant was not observed in approximately 6500 individuals of European and African American ancestry in the NHLBI Exome Sequencing Project, indicating it is not a common benign variant in these populations. In silico splice algorithms predict this nucleotide substitution results in a cryptic splice donor site with a higher affinity than the wild-type splice donor site. However, other splice site mutations in the PRKAG2 gene have not been reported.Therefore, based on the currently available information, it is unclear whether this variant is a pathogenic mutation or a rare benign variant. The variant is found in CARDIOMYOPATHY panel(s).